The following is an entry in ClinVar:

ClinVar aggregate classification (germline): Uncertain significance (1 of 4 stars; one submission).

gnomAD v4.1: 1 of 1,612,858 alleles (0.000062%); highest among the groups gnomAD compares: Non-Finnish European, 0.000085%; no homozygotes.

Submission:

Labcorp Genetics (formerly Invitae), Labcorp
Classification: Uncertain significance. Last evaluated: 2024-07-08. Review status: criteria provided, single submitter. Criteria: Invitae Variant Classification Sherloc (09022015). Collection method: clinical testing. Allele origin: germline.
Comment: This sequence change replaces isoleucine, which is neutral and non-polar, with phenylalanine, which is neutral and non-polar, at codon 235 of the VAV1 protein (p.Ile235Phe). This variant is not present in population databases (gnomAD no frequency). This variant has not been reported in the literature in individuals affected with VAV1-related conditions. An algorithm developed to predict the effect of missense changes on protein structure and function (PolyPhen-2) suggests that this variant is likely to be tolerated. In summary, the available evidence is currently insufficient to determine the role of this variant in disease. Therefore, it has been classified as a Variant of Uncertain Significance.

NM_005428.4(VAV1):c.703A>T (p.Ile235Phe)

Gene: VAV1 (vav guanine nucleotide exchange factor 1; plus strand). Cytogenetic location: 19p13.3.
Variant type: single nucleotide variant.
Coding change: c.703A>T on transcript NM_005428.4 (MANE Select); coding-DNA position 703, A replaced by T.
Protein change: p.Ile235Phe; replaces isoleucine 235 with phenylalanine.
Molecular consequence: missense variant.
Genome position (GRCh38, 1-based): chr19:6,825,101, A>T. VCF-style: chr19-6825101-A-T. GRCh37 (hg19) VCF-style: chr19-6825112-A-T.
Other names: c.703A>T, p.Ile235Phe (NM_001258206.2); c.607A>T, p.Ile203Phe (NM_001258207.2); short protein forms I235F, I203F.
Identifiers: ClinVar variation 3658662 (VCV003658662.2).